The following is an entry in ClinVar:

ClinVar aggregate classification (germline): Uncertain significance. Review status: criteria provided, multiple submitters, no conflicts (2 of 4 stars). 2 submissions from 2 submitters: Uncertain significance (2). Last evaluated 2024-07-04.

Conditions:
Inborn genetic diseases. Identifiers: MedGen C0950123, MeSH D030342.

Submissions (2):

Blueprint Genetics
Classification: Uncertain significance. Last evaluated: 2024-07-04. Review status: criteria provided, single submitter. Criteria: ACMG Guidelines, 2015. Collection method: clinical testing. Allele origin: germline.

Ambry Genetics
Classification: Uncertain significance for Inborn genetic diseases. Last evaluated: 2019-03-29. Review status: criteria provided, single submitter. Criteria: Ambry Variant Classification Scheme 2023. Collection method: clinical testing. Allele origin: germline.
Comment: The c.3092+3A>C intronic variant results from an A to C substitution 3 nucleotides after coding exon 19 in the CACNA1A gene. This nucleotide position is not well conserved in available vertebrate species. Using the BDGP and ESEfinder splice site prediction tools, this alteration is predicted to weaken the efficiency of the native splice donor site; however, direct evidence is unavailable. Since supporting evidence is limited at this time, the clinical significance of this alteration remains unclear.

NM_001127222.2(CACNA1A):c.3089+3A>C

Gene: CACNA1A (calcium voltage-gated channel subunit alpha1 A; minus strand). Cytogenetic location: 19p13.13.
Variant type: single nucleotide variant.
Coding change: c.3089+3A>C on transcript NM_001127222.2 (MANE Select); 3 bases into the intron after coding-DNA position 3089, A replaced by C.
Molecular consequence: intron variant.
Genome position (GRCh38, 1-based): chr19:13,298,541, T>G on the plus strand (A>C on the coding strand, the complement: CACNA1A is on the minus strand). VCF-style: chr19-13298541-T-G. GRCh37 (hg19) VCF-style: chr19-13409355-T-G.
Other names: c.3092+3A>C (NM_001127221.2, NM_001174080.2); c.3101+3A>C (NM_000068.4, NM_023035.3).
Identifiers: ClinVar variation 1727473 (VCV001727473.3), dbSNP rs2512904242, ClinGen allele CA2580096593.